The following is an entry in ClinVar:

ClinVar aggregate classification (germline): Pathogenic (1 of 4 stars; one submission).

Conditions:
Distal myopathy with posterior leg and anterior hand involvement. Also called: WILLIAMS DISTAL MYOPATHY. Identifiers: Orphanet 63273, MedGen C3279722, MONDO:0013550, OMIM 614065.
Hypertrophic cardiomyopathy 26. Also called: Cardiomyopathy, familial hypertrophic, 26. Identifiers: Orphanet 75249, MedGen C4310749, MONDO:0014883, OMIM 617047.
Myofibrillar myopathy 5. Also called: Filaminopathy (type); FILAMINOPATHY, AUTOSOMAL DOMINANT. Identifiers: Orphanet 171445, MedGen C1836050, MONDO:0012289, OMIM 609524.

Submission:

Labcorp Genetics (formerly Invitae), Labcorp
Classification: Pathogenic for Distal myopathy with posterior leg and anterior hand involvement; Myofibrillar myopathy 5; Hypertrophic cardiomyopathy 26. Last evaluated: 2022-01-26. Review status: criteria provided, single submitter. Criteria: Invitae Variant Classification Sherloc (09022015). Collection method: clinical testing. Allele origin: germline.
Comment: This sequence change creates a premature translational stop signal (p.Ser1893Valfs*15) in the FLNC gene. It is expected to result in an absent or disrupted protein product. Loss-of-function variants in FLNC are known to be pathogenic (PMID: 27908349). This variant is not present in population databases (gnomAD no frequency). This variant has not been reported in the literature in individuals affected with FLNC-related conditions. For these reasons, this variant has been classified as Pathogenic.

Literature cited by the submitters: PubMed 27908349.

NM_001458.5(FLNC):c.5676dup (p.Ser1893fs)

Genes: FLNC (filamin C; plus strand), FLNC-AS1 (FLNC antisense RNA 1; minus strand). Cytogenetic location: 7q32.1.
Variant type: Duplication.
Coding change: c.5676dup on transcript NM_001458.5 (MANE Select); coding-DNA position 5676, one base duplicated (G; older notation c.5676dupG).
Protein change: p.Ser1893fs; shifts the reading frame from serine 1893.
Molecular consequence: frameshift variant. On other transcripts: non-coding transcript variant (1).
Genome position (GRCh38, 1-based): chr7:128,851,462, G duplicated. VCF-style (leftmost placement, unchanged base first): chr7-128851461-T-TG. GRCh37 (hg19) VCF-style: chr7-128491515-T-TG.
Other names: c.5577dup, p.Ser1860fs (NM_001127487.2); short protein forms S1893fs, S1860fs.
Identifiers: ClinVar variation 2086291 (VCV002086291.4), dbSNP rs2536656240, ClinGen allele CA2580076610.
Genomic context (GRCh38, chr7:128,851,461, plus strand): 5'-CAGGGGCAGGGGTGAGGGCAGGACCTCTGATCTTGGCCACACCTCCACCTACAGGGGGTC[T>TG]GTCACTGGCCGTGGAGGGCCCATCCAAGGCAGAGATCACCTGTAAGGACAACAAGGATGG-3'